The following is an entry in ClinVar:

ClinVar aggregate classification (germline): Conflicting classifications of pathogenicity. Review status: criteria provided, conflicting classifications (1 of 4 stars). 5 submissions from 5 submitters: Uncertain significance (3); Likely benign (1). 1 of the submissions does not count toward it. Last evaluated 2025-10-02.

Conditions:
Neuromuscular disease caused by qualitative or quantitative defects of dysferlin. Also called: Dysferlinopathy; Qualitative or quantitative defects of dysferlin. Identifiers: Orphanet 207073, MedGen C2931687, MONDO:0016145.
Autosomal recessive limb-girdle muscular dystrophy type 2B (LGMDR2). Also called: MUSCULAR DYSTROPHY, LIMB-GIRDLE, AUTOSOMAL RECESSIVE 2; MUSCULAR DYSTROPHY, LIMB-GIRDLE, TYPE 3; Limb-girdle muscular dystrophy, type 2B; Limb-Girdle Muscular Dystrophy Type 2B (LGMD2B). Identifiers: Orphanet 268, MedGen C1850889, MONDO:0009676, OMIM 253601.

Allele frequency attached by ClinVar (database versions not stated): gnomAD exomes 0.00007; ExAC 0.00008; TOPMed 0.00014; gnomAD 0.00017 and 0.00018.
gnomAD v4.1: 149 of 1,614,036 alleles (0.0092%); highest among the groups gnomAD compares: Admixed American, 0.035%; no homozygotes.

Submissions (5):

Labcorp Genetics (formerly Invitae), Labcorp
Classification: Likely benign for Neuromuscular disease caused by qualitative or quantitative defects of dysferlin. Last evaluated: 2025-10-02. Review status: criteria provided, single submitter. Criteria: Invitae Variant Classification Sherloc (09022015). Collection method: clinical testing. Allele origin: germline.

Revvity Omics, Revvity
Classification: Uncertain significance. Last evaluated: 2023-10-18. Review status: criteria provided, single submitter. Criteria: ACMG Guidelines, 2015. Collection method: clinical testing. Allele origin: germline.

Athena Diagnostics
Classification: Uncertain significance. Last evaluated: 2022-10-21. Review status: criteria provided, single submitter. Criteria: Athena Diagnostics Criteria. Collection method: clinical testing. Allele origin: unknown.
Comment: Available data are insufficient to determine the clinical significance of the variant at this time. The frequency of this variant in the general population is uninformative in assessment of its pathogenicity. Computational tools disagree on the variant's effect on normal protein function.

Eurofins Ntd Llc (ga)
Classification: Uncertain significance. Last evaluated: 2016-10-12. Review status: criteria provided, single submitter. Criteria: EGL Classification Definitions 2015. Collection method: clinical testing. Allele origin: germline. Observed: 1 variant allele, 1 heterozygote.

Natera, Inc.
Classification: Uncertain significance for Limb-girdle muscular dystrophy type 2B. Last evaluated: 2020-09-16. Review status: no assertion criteria provided. Collection method: clinical testing. Allele origin: germline. Not counted in ClinVar's aggregate classification.

Literature cited by the submitters: PubMed 30564623 (cited by Athena Diagnostics).

NM_001130987.2(DYSF):c.3304C>T (p.Arg1102Cys)

Gene: DYSF (dysferlin; plus strand). Cytogenetic location: 2p13.2.
Variant type: single nucleotide variant.
Coding change: c.3304C>T on transcript NM_001130987.2 (MANE Select); coding-DNA position 3304, C replaced by T.
Protein change: p.Arg1102Cys; replaces arginine 1102 with cysteine.
Molecular consequence: missense variant.
Genome position (GRCh38, 1-based): chr2:71,574,273, C>T. VCF-style: chr2-71574273-C-T. GRCh37 (hg19) VCF-style: chr2-71801403-C-T.
Other names: c.3253C>T, p.Arg1085Cys (NM_001130455.2, NM_001130983.2); c.3208C>T, p.Arg1070Cys (NM_001130976.2, NM_001130977.2); c.3250C>T, p.Arg1084Cys (NM_001130978.2, NM_003494.4); c.3343C>T, p.Arg1115Cys (NM_001130979.2); c.3301C>T, p.Arg1101Cys (NM_001130980.2, NM_001130981.2); c.3346C>T, p.Arg1116Cys (NM_001130982.2); c.3211C>T, p.Arg1071Cys (NM_001130984.2, NM_001130986.2); c.3304C>T, p.Arg1102Cys (NM_001130985.2); short protein forms R1084C, R1102C, R1101C, R1115C, R1116C, R1085C, R1070C, R1071C.
Identifiers: ClinVar variation 497848 (VCV000497848.15), dbSNP rs764208388, ClinGen allele CA1706513.